The following is an entry in ClinVar:

NM_213599.3(ANO5):c.2203T>G (p.Tyr735Asp)

Gene: ANO5 (anoctamin 5; plus strand). Cytogenetic location: 11p14.3.
Variant type: single nucleotide variant.
Coding change: c.2203T>G on transcript NM_213599.3 (MANE Select); coding-DNA position 2203, T replaced by G.
Protein change: p.Tyr735Asp; replaces tyrosine 735 with aspartic acid.
Molecular consequence: missense variant.
Genome position (GRCh38, 1-based): chr11:22,272,957, T>G. VCF-style: chr11-22272957-T-G. GRCh37 (hg19) VCF-style: chr11-22294503-T-G.
Other names: c.2200T>G, p.Tyr734Asp (NM_001142649.2); short protein forms Y735D, Y734D.
Identifiers: ClinVar variation 598547 (VCV000598547.14), dbSNP rs1564951438, ClinGen allele CA379923995.
Genomic context (GRCh38, chr11:22,272,957, plus strand): 5'-CAATACAGGAGAACTGTAGCTTCTAAAGCTCATAGCATAGGTGTTTGGCAAGACATTCTT[T>G]ATGGAATGGCTGTCCTTTCTGTTGCAACTAATGTAAGTGGACCTATTTCGGTGGGGTGAC-3'
Protein context (NP_998764.1, residues 725-745): HSIGVWQDIL[Tyr735Asp]GMAVLSVATN

ClinVar aggregate classification (germline): Uncertain significance. Review status: criteria provided, multiple submitters, no conflicts (2 of 4 stars). 2 submissions from 2 submitters: Uncertain significance (2). Last evaluated 2019-10-18.

Conditions:
Autosomal recessive limb-girdle muscular dystrophy type 2L (LGMDR12). Also called: Limb-girdle muscular dystrophy, type 2L; MUSCULAR DYSTROPHY, LIMB-GIRDLE, AUTOSOMAL RECESSIVE 12; Limb-Girdle Muscular Dystrophy R12 Anoctamin-5-Related (LGMD-R12). Identifiers: Orphanet 206549, MedGen C1969785, MONDO:0012652, OMIM 611307.
Gnathodiaphyseal dysplasia (GDD). Also called: GNATHODIAPHYSEAL SCLEROSIS; OSTEOGENESIS IMPERFECTA WITH UNUSUAL SKELETAL LESIONS. Identifiers: Orphanet 53697, MedGen C1833736, MONDO:0008151, OMIM 166260.

Submissions (2):

Labcorp Genetics (formerly Invitae), Labcorp
Classification: Uncertain significance for Autosomal recessive limb-girdle muscular dystrophy type 2L; Gnathodiaphyseal dysplasia. Last evaluated: 2019-10-18. Review status: criteria provided, single submitter. Criteria: Invitae Variant Classification Sherloc (09022015). Collection method: clinical testing. Allele origin: germline.
Comment: In summary, the available evidence is currently insufficient to determine the role of this variant in disease. Therefore, it has been classified as a Variant of Uncertain Significance. Algorithms developed to predict the effect of missense changes on protein structure and function (SIFT, PolyPhen-2, Align-GVGD) all suggest that this variant is likely to be tolerated, but these predictions have not been confirmed by published functional studies and their clinical significance is uncertain. This variant has not been reported in the literature in individuals with ANO5-related conditions. ClinVar contains an entry for this variant (Variation ID: 598547). This variant is not present in population databases (ExAC no frequency). This sequence change replaces tyrosine with aspartic acid at codon 735 of the ANO5 protein (p.Tyr735Asp). The tyrosine residue is weakly conserved and there is a large physicochemical difference between tyrosine and aspartic acid.

Eurofins Ntd Llc (ga)
Classification: Uncertain significance. Last evaluated: 2018-08-28. Review status: criteria provided, single submitter. Criteria: EGL ClinVar v180209 classification definitions. Collection method: clinical testing. Allele origin: germline. Observed: 1 variant allele, 1 heterozygote.